The following is an entry in ClinVar:

ClinVar aggregate classification (germline): Conflicting classifications of pathogenicity. Review status: criteria provided, conflicting classifications (1 of 4 stars). 4 submissions from 4 submitters: Uncertain significance (2); Likely benign (1). 1 of the submissions does not count toward it. Last evaluated 2025-12-31.

Conditions:
Hereditary cancer-predisposing syndrome. Also called: Neoplastic Syndromes, Hereditary; Hereditary neoplastic syndrome; Tumor predisposition; Hereditary Cancer Syndrome. Identifiers: Orphanet 140162, MedGen C0027672, MeSH D009386, MONDO:0015356.
Familial cancer of breast. Also called: hereditary breast carcinoma; Hereditary breast cancer; BREAST CANCER, FAMILIAL. Identifiers: Orphanet 227535, MedGen C0346153, MONDO:0016419, OMIM 114480. Disease mechanism: loss of function.
Ataxia-telangiectasia syndrome (AT). Also called: Ataxia telangiectasia (A-T); Cerebello-oculocutaneous telangiectasia; Immunodeficiency with ataxia telangiectasia; LOUIS-BAR SYNDROME; AT, COMPLEMENTATION GROUP C; ATAXIA-TELANGIECTASIA, FRESNO VARIANT. Identifiers: Orphanet 100, MedGen C0004135, MONDO:0008840, OMIM 208900.

Submissions (4):

Labcorp Genetics (formerly Invitae), Labcorp
Classification: Likely benign for Ataxia-telangiectasia syndrome. Last evaluated: 2025-12-31. Review status: criteria provided, single submitter. Criteria: Invitae Variant Classification Sherloc (09022015). Collection method: clinical testing. Allele origin: germline.

Ambry Genetics
Classification: Uncertain significance for Hereditary cancer-predisposing syndrome. Last evaluated: 2025-04-23. Review status: criteria provided, single submitter. Criteria: Ambry Variant Classification Scheme 2023. Collection method: clinical testing. Allele origin: germline.
Comment: The c.8987+5G>C intronic variant results from a G to C substitution 5 nucleotides after coding exon 61 in the ATM gene. This nucleotide position is well conserved in available vertebrate species. In silico splice site analysis for this alteration is inconclusive. Based on the available evidence, the clinical significance of this variant remains unclear.

Department of Pathology and Laboratory Medicine, Sinai Health System
Classification: Uncertain significance for Familial cancer of breast; Ataxia-telangiectasia syndrome. Last evaluated: 2023-12-08. Review status: criteria provided, single submitter. Criteria: ACMG Guidelines, 2015. Collection method: clinical testing. Allele origin: germline. Affected: no.

Natera, Inc.
Classification: Uncertain significance for Ataxia-telangiectasia. Last evaluated: 2020-03-01. Review status: no assertion criteria provided. Collection method: clinical testing. Allele origin: germline. Not counted in ClinVar's aggregate classification.

NM_000051.4(ATM):c.8987+5G>C

Genes: C11orf65 (chromosome 11 open reading frame 65; minus strand), ATM (ATM serine/threonine kinase; plus strand). Cytogenetic location: 11q22.3.
Variant type: single nucleotide variant.
Coding change: c.8987+5G>C on transcript NM_000051.4 (MANE Select); 5 bases into the intron after coding-DNA position 8987, G replaced by C.
Molecular consequence: intron variant.
Genome position (GRCh38, 1-based): chr11:108,365,223, G>C. VCF-style: chr11-108365223-G-C. GRCh37 (hg19) VCF-style: chr11-108235950-G-C.
Other names: c.8987+5G>C (NM_001351834.2); c.640+20697C>G (NM_001330368.2); c.694+20697C>G (NM_001351110.2).
Identifiers: ClinVar variation 233682 (VCV000233682.26), dbSNP rs876660570, ClinGen allele CA10579329.